The following is an entry in ClinVar:

ClinVar aggregate classification (germline): Likely benign (1 of 4 stars; one submission).

Allele frequency attached by ClinVar (database versions not stated): TOPMed 0.00001 and 0.00002; gnomAD 0.00006 and 0.00003; gnomAD exomes below 0.00001.
gnomAD v4.1: 4 of 1,573,160 alleles (0.00025%); highest among the groups gnomAD compares: African/African-American, 0.0054%; no homozygotes.

Submission:

GeneDx
Classification: Likely benign. Last evaluated: 2016-03-21. Review status: criteria provided, single submitter. Criteria: GeneDx Variant Classification (06012015). Collection method: clinical testing. Allele origin: germline. Affected: yes.
Comment: This variant is considered likely benign or benign based on one or more of the following criteria: it is a conservative change, it occurs at a poorly conserved position in the protein, it is predicted to be benign by multiple in silico algorithms, and/or has population frequency not consistent with disease.

NM_001256545.2(MEGF10):c.-7G>A

Gene: MEGF10 (multiple EGF like domains 10; plus strand). Cytogenetic location: 5q23.2.
Variant type: single nucleotide variant.
Coding change: c.-7G>A on transcript NM_001256545.2 (MANE Select); 7 bases upstream of the start codon, G replaced by A.
Molecular consequence: 5 prime UTR variant.
Genome position (GRCh38, 1-based): chr5:127,331,302, G>A. VCF-style: chr5-127331302-G-A. GRCh37 (hg19) VCF-style: chr5-126666994-G-A.
Other names: c.-7G>A (NM_001308119.2, NM_001308121.2, NM_032446.3).
Identifiers: ClinVar variation 384416 (VCV000384416.1), dbSNP rs4620069, ClinGen allele CA16604684.
Genomic context (GRCh38, chr5:127,331,302, plus strand): 5'-TGTGAGTCATTTCAATGCATTTCTAATTGGGATTTTTTCTTTCTTGTAGGTTGTTCTTCA[G>A]AAAAAAATGGTTATTTCTTTGAACTCATGCCTGAGCTTTATTTGTTTATTGTTATGCCAC-3'